The following is an entry in ClinVar:

NM_133642.5(LARGE1):c.1557C>T (p.Gly519=)

Gene: LARGE1 (LARGE xylosyl- and glucuronyltransferase 1; minus strand). Cytogenetic location: 22q12.3.
Variant type: single nucleotide variant.
Coding change: c.1557C>T on transcript NM_133642.5 (MANE Select); coding-DNA position 1557, C replaced by T.
Protein change: p.Gly519=; no amino-acid change (glycine 519 retained).
Molecular consequence: synonymous variant.
Genome position (GRCh38, 1-based): chr22:33,304,402, G>A on the plus strand (C>T on the coding strand, the complement: LARGE1 is on the minus strand). VCF-style: chr22-33304402-G-A. GRCh37 (hg19) VCF-style: chr22-33700388-G-A.
Other names: c.1557C>T (NM_004737.5); c.1557C>T, p.Gly519= (NM_001362949.2, NM_001362951.2, NM_001362953.2 and 6 more transcripts); c.1401C>T, p.Gly467= (NM_001378629.1); c.954C>T, p.Gly318= (NM_001378630.1); c.798C>T, p.Gly266= (NM_001378631.1).
Identifiers: ClinVar variation 1662739 (VCV001662739.11), dbSNP rs763782820, ClinGen allele CA10202709.

ClinVar aggregate classification (germline): Likely benign. Review status: criteria provided, multiple submitters, no conflicts (2 of 4 stars). 3 submissions from 3 submitters: Likely benign (2). 1 of the submissions does not count toward it. Last evaluated 2024-10-17.

Conditions:
LARGE1-related disorder. Also called: LARGE1-related condition.
Muscular dystrophy-dystroglycanopathy type B6 (MDDGB6). Also called: MUSCULAR DYSTROPHY-DYSTROGLYCANOPATHY (CONGENITAL WITH IMPAIRED INTELLECTUAL DEVELOPMENT), TYPE B, 6; MUSCULAR DYSTROPHY, CONGENITAL, LARGE-RELATED; MUSCULAR DYSTROPHY, CONGENITAL, TYPE 1D. Identifiers: MedGen C1837229, MONDO:0012138, OMIM 608840.

Allele frequency attached by ClinVar (database versions not stated): gnomAD 0.00001; gnomAD exomes 0.00002 and 0.00003; ExAC 0.00005; TOPMed 0.00005.
gnomAD v4.1: 32 of 1,614,164 alleles (0.002%); highest among the groups gnomAD compares: East Asian, 0.0022%; no homozygotes.

Submissions (3):

Labcorp Genetics (formerly Invitae), Labcorp
Classification: Likely benign for Muscular dystrophy-dystroglycanopathy type B6. Last evaluated: 2024-10-17. Review status: criteria provided, single submitter. Criteria: Invitae Variant Classification Sherloc (09022015). Collection method: clinical testing. Allele origin: germline.

Blueprint Genetics
Classification: Likely benign. Last evaluated: 2023-06-29. Review status: criteria provided, single submitter. Criteria: ACMG Guidelines, 2015. Collection method: clinical testing. Allele origin: germline.

PreventionGenetics, part of Exact Sciences
Classification: Likely benign for LARGE1-related condition. Last evaluated: 2019-09-19. Review status: no assertion criteria provided. Collection method: clinical testing. Allele origin: germline. Not counted in ClinVar's aggregate classification.
Comment: This variant is classified as likely benign based on ACMG/AMP sequence variant interpretation guidelines (Richards et al. 2015 PMID: 25741868, with internal and published modifications).